The following is an entry in ClinVar:

NM_001903.5(CTNNA1):c.1099G>A (p.Ala367Thr)

Gene: CTNNA1 (catenin alpha 1; plus strand). Cytogenetic location: 5q31.2.
Variant type: single nucleotide variant.
Coding change: c.1099G>A on transcript NM_001903.5 (MANE Select); coding-DNA position 1099, G replaced by A.
Protein change: p.Ala367Thr; replaces alanine 367 with threonine.
Molecular consequence: missense variant. On other transcripts: 5 prime UTR variant (26), intron variant (2).
Genome position (GRCh38, 1-based): chr5:138,886,248, G>A. VCF-style: chr5-138886248-G-A. GRCh37 (hg19) VCF-style: chr5-138221937-G-A.
Other names: c.1099G>A (NM_001903.2); c.1099G>A, p.Ala367Thr (NM_001323985.2, NM_001323986.2, NM_001290307.3 and 3 more transcripts); c.-12G>A (NM_001323987.1, NM_001323988.1, NM_001323989.1 and 18 more transcripts); c.-409G>A (NM_001324006.1, NM_001324007.1, NM_001324008.1 and 1 more transcripts); c.-284G>A (NM_001324013.1); c.-58+10651G>A (NM_001324012.1); c.-61+10651G>A (NM_001324010.1); c.790G>A, p.Ala264Thr (NM_001290309.3); and 1 more; short protein forms A244T, A264T, A367T.
Identifiers: ClinVar variation 1718905 (VCV001718905.6), dbSNP rs2150024208, ClinGen allele CA361132546.

ClinVar aggregate classification (germline): Uncertain significance. Review status: criteria provided, multiple submitters, no conflicts (2 of 4 stars). 2 submissions from 2 submitters: Uncertain significance (2). Last evaluated 2025-09-22.

Conditions:
Hereditary cancer-predisposing syndrome. Also called: Hereditary neoplastic syndrome; Neoplastic Syndromes, Hereditary; Hereditary Cancer Syndrome; Tumor predisposition. Identifiers: Orphanet 140162, MedGen C0027672, MeSH D009386, MONDO:0015356.

Submissions (2):

Ambry Genetics
Classification: Uncertain significance for Hereditary cancer-predisposing syndrome. Last evaluated: 2025-09-22. Review status: criteria provided, single submitter. Criteria: Ambry Variant Classification Scheme 2023. Collection method: clinical testing. Allele origin: germline.
Comment: The p.A367T variant (also known as c.1099G>A), located in coding exon 7 of the CTNNA1 gene, results from a G to A substitution at nucleotide position 1099. The alanine at codon 367 is replaced by threonine, an amino acid with similar properties. This amino acid position is conserved. In addition, the in silico prediction for this alteration is inconclusive. Based on the available evidence, the clinical significance of this variant remains unclear.

Labcorp Genetics (formerly Invitae), Labcorp
Classification: Uncertain significance. Last evaluated: 2022-09-06. Review status: criteria provided, single submitter. Criteria: Invitae Variant Classification Sherloc (09022015). Collection method: clinical testing. Allele origin: germline.
Comment: This sequence change replaces alanine, which is neutral and non-polar, with threonine, which is neutral and polar, at codon 367 of the CTNNA1 protein (p.Ala367Thr). In summary, the available evidence is currently insufficient to determine the role of this variant in disease. Therefore, it has been classified as a Variant of Uncertain Significance. Algorithms developed to predict the effect of missense changes on protein structure and function are either unavailable or do not agree on the potential impact of this missense change (SIFT: "Deleterious"; PolyPhen-2: "Possibly Damaging"; Align-GVGD: "Class C0"). This variant has not been reported in the literature in individuals affected with CTNNA1-related conditions. This variant is not present in population databases (gnomAD no frequency).